The following is an entry in ClinVar:

NM_000238.4(KCNH2):c.2014C>T (p.Arg672Cys)

Gene: KCNH2 (potassium voltage-gated channel subfamily H member 2; minus strand). Cytogenetic location: 7q36.1.
Variant type: single nucleotide variant.
Coding change: c.2014C>T on transcript NM_000238.4 (MANE Select); coding-DNA position 2014, C replaced by T.
Protein change: p.Arg672Cys; replaces arginine 672 with cysteine.
Molecular consequence: missense variant.
Genome position (GRCh38, 1-based): chr7:150,951,052, G>A on the plus strand (C>T on the coding strand, the complement: KCNH2 is on the minus strand). VCF-style: chr7-150951052-G-A. GRCh37 (hg19) VCF-style: chr7-150648140-G-A.
Other names: c.994C>T, p.Arg332Cys (NM_001204798.2, NM_172057.3); c.1726C>T, p.Arg576Cys (NM_001406753.1, NM_001406756.1); c.1837C>T, p.Arg613Cys (NM_001406755.1); c.1714C>T, p.Arg572Cys (NM_001406757.1); c.2014C>T, p.Arg672Cys (NM_172056.3); short protein forms R332C, R672C, R572C, R576C, R613C.
Identifiers: ClinVar variation 1020103 (VCV001020103.11), dbSNP rs769197005, ClinGen allele CA030384.

ClinVar aggregate classification (germline): Uncertain significance. Review status: criteria provided, multiple submitters, no conflicts (2 of 4 stars). 3 submissions from 3 submitters: Uncertain significance (3). Last evaluated 2026-06-22.

Conditions:
Cardiovascular phenotype. Identifiers: MedGen CN230736.
Long QT syndrome (LQTS). Identifiers: MedGen C0023976, MeSH D008133, MONDO:0002442. Disease mechanism: loss of function. Inheritance: Various modes of inheritance.

Allele frequency attached by ClinVar (database versions not stated): gnomAD 0.00001; gnomAD exomes below 0.00001; ExAC 0.00001.
gnomAD v4.1: 8 of 1,614,012 alleles (0.0005%); highest among the groups gnomAD compares: Middle Eastern, 0.016%; no homozygotes.

Submissions (3):

Ambry Genetics
Classification: Uncertain significance for Cardiovascular phenotype. Last evaluated: 2026-06-22. Review status: criteria provided, single submitter. Criteria: Ambry Variant Classification Scheme 2023. Collection method: clinical testing. Allele origin: germline.
Comment: The c.2014C>T (p.R672C) alteration is located in exon 8 (coding exon 8) of the KCNH2 gene. This alteration results from a C to T substitution at nucleotide position 2014, causing the arginine (R) at amino acid position 672 to be replaced by a cysteine (C). Based on data from gnomAD, the T allele has an overall frequency of 0.001% (2/282544) total alleles studied. The highest observed frequency was 0.002% (2/129028) of European (non-Finnish) alleles. Based on insufficient or conflicting evidence, the clinical significance of this alteration remains unclear.

Labcorp Genetics (formerly Invitae), Labcorp
Classification: Uncertain significance for Long QT syndrome. Last evaluated: 2023-12-11. Review status: criteria provided, single submitter. Criteria: Invitae Variant Classification Sherloc (09022015). Collection method: clinical testing. Allele origin: germline.
Comment: This sequence change replaces arginine, which is basic and polar, with cysteine, which is neutral and slightly polar, at codon 672 of the KCNH2 protein (p.Arg672Cys). This variant is present in population databases (rs769197005, gnomAD 0.002%). This variant has not been reported in the literature in individuals affected with KCNH2-related conditions. ClinVar contains an entry for this variant (Variation ID: 1020103). An algorithm developed to predict the effect of missense changes on protein structure and function (PolyPhen-2) suggests that this variant is likely to be disruptive. In summary, the available evidence is currently insufficient to determine the role of this variant in disease. Therefore, it has been classified as a Variant of Uncertain Significance.

All of Us Research Program, National Institutes of Health
Classification: Uncertain significance for Long QT syndrome. Last evaluated: 2023-05-16. Review status: criteria provided, single submitter. Criteria: ACMG Guidelines, 2015. Collection method: clinical testing. Allele origin: germline. Inheritance: Autosomal dominant inheritance. Observed: 1 variant allele, 1 heterozygote.
Comment: This missense variant replaces arginine with cysteine at codon 672 of the KCNH2 protein. Computational prediction suggests that this variant may have deleterious impact on protein structure and function (internally defined REVEL score threshold >= 0.7, PMID: 27666373). To our knowledge, functional studies have not been reported for this variant. This variant has not been reported in individuals affected with KCNH2-related disorders in the literature. This variant has been identified in 2/282544 chromosomes in the general population by the Genome Aggregation Database (gnomAD). The available evidence is insufficient to determine the role of this variant in disease conclusively. Therefore, this variant is classified as a Variant of Uncertain Significance.

This study involves interpretation of variants in research participants for the purpose of population health screening. Participant phenotype was not available at the time of variant classification. Additional details can be found in publication PMID: 35346344, PMCID: PMC8962531